The following is an entry in ClinVar:

ClinVar aggregate classification (germline): Likely benign. Review status: criteria provided, single submitter (1 of 4 stars). 2 submissions from 1 submitter: Likely benign (2). Last evaluated 2017-08-03.

Conditions:
Atrichia with papular lesions (APL). Also called: PAPULAR ATRICHIA. Identifiers: Orphanet 86819, MedGen C1859592, MONDO:0008847, OMIM 209500.
Alopecia universalis congenita (ALUNC). Also called: ATRICHIA, GENERALIZED. Identifiers: Orphanet 701, MedGen C1859877, MONDO:0008757, OMIM 203655.

Allele frequency attached by ClinVar (database versions not stated): gnomAD 0.00003 and 0.00013; TOPMed 0.00005; ESP Exome Variant Server 0.00008; gnomAD exomes 0.00028 and 0.00052; ExAC 0.00057; 1000 Genomes Project 30x 0.00062; 1000 Genomes Project 0.00080.
gnomAD v4.1: 429 of 1,613,426 alleles (0.027%); highest among the groups gnomAD compares: South Asian, 0.36%; 6 homozygotes.

Submissions (2):

Illumina Laboratory Services, Illumina
Classification: Likely benign for Atrichia with papular lesions. Last evaluated: 2017-08-03. Review status: criteria provided, single submitter. Criteria: ICSL Variant Classification Criteria 13 December 2019. Collection method: clinical testing. Allele origin: germline.
Comment: This variant was observed as part of a predisposition screen in an ostensibly healthy population. A literature search was performed for the gene, cDNA change, and amino acid change (where applicable). No publications were found based on this search. Allele frequency data from public databases allowed determination this variant is unlikely to cause disease. Therefore, this variant is classified as likely benign.

Illumina Laboratory Services, Illumina
Classification: Likely benign for Alopecia universalis congenita. Last evaluated: 2017-08-03. Review status: criteria provided, single submitter. Criteria: ICSL Variant Classification Criteria 13 December 2019. Collection method: clinical testing. Allele origin: germline.
Comment: the same text as in the submission from Illumina Laboratory Services, Illumina above.

NM_005144.5(HR):c.301G>A (p.Glu101Lys)

Gene: HR (HR lysine demethylase and nuclear receptor corepressor; minus strand). Cytogenetic location: 8p21.3.
Variant type: single nucleotide variant.
Coding change: c.301G>A on transcript NM_005144.5 (MANE Select); coding-DNA position 301, G replaced by A.
Protein change: p.Glu101Lys; replaces glutamic acid 101 with lysine.
Molecular consequence: missense variant.
Genome position (GRCh38, 1-based): chr8:22,128,870, C>T on the plus strand (G>A on the coding strand, the complement: HR is on the minus strand). VCF-style: chr8-22128870-C-T. GRCh37 (hg19) VCF-style: chr8-21986383-C-T.
Other names: c.301G>A, p.Glu101Lys (NM_018411.4); short protein forms E101K.
Identifiers: ClinVar variation 910178 (VCV000910178.4), dbSNP rs28585381, ClinGen allele CA4662742.